The following is an entry in ClinVar:

NM_024022.2(TMPRSS3):c.617-3_617-2dup

Gene: TMPRSS3 (transmembrane serine protease 3; minus strand). Cytogenetic location: 21q22.3.
Variant type: Duplication.
Coding change: c.617-3_617-2dup on transcript NM_024022.2; 3 bases into the intron before coding-DNA position 617 through the canonical splice acceptor site of the intron before coding-DNA position 617, 2 bases duplicated (TA; older notation c.617-3_617-2dupTA).
Molecular consequence: splice acceptor variant (on NM_001256317.3).
Genome position (GRCh38, 1-based): chr21:42,383,200-42,383,201, TA duplicated on the plus strand (TA on the coding strand, the reverse complement: TMPRSS3 is on the minus strand); duplicating any 2 consecutive bases within chr21:42,383,200-42,383,202 gives the same sequence; the c. name uses the placement nearest the transcript's 3' end. VCF-style (leftmost placement, unchanged base first): chr21-42383199-C-CTA. GRCh37 (hg19) VCF-style: chr21-43803308-C-CTA.
Other names: c.617-3_617-2dupTA (NM_024022.2, NM_024022.4); c.617-3_617-2dup (NM_001256317.3, NM_024022.4, NM_032405.2); c.236-3_236-2dup (NM_032404.3).
Identifiers: ClinVar variation 46126 (VCV000046126.30), dbSNP rs34966432, ClinGen allele CA210585.

ClinVar aggregate classification (germline): Benign. Review status: criteria provided, multiple submitters, no conflicts (2 of 4 stars). 8 submissions from 8 submitters: Benign (8). Last evaluated 2026-06-08.

Conditions:
Autosomal recessive nonsyndromic hearing loss 8 (DFNB8). Also called: NEUROSENSORY NONSYNDROMIC RECESSIVE DEAFNESS 8; Deafness, autosomal recessive 10. Identifiers: Orphanet 90636, MedGen C1832827, MONDO:0010987, OMIM 601072.

Submissions (8):

Women's Health and Genetics/Laboratory Corporation of America, LabCorp
Classification: Benign. Last evaluated: 2026-06-08. Review status: criteria provided, single submitter. Criteria: LabCorp Variant Classification Summary - May 2015. Collection method: clinical testing. Allele origin: germline.
Comment: Variant summary: TMPRSS3 c.617-3_617-2dupTA alters a nucleotide located close to a canonical splice site and therefore could affect mRNA splicing, leading to a significantly altered protein sequence. Consensus agreement among computation tools predict no significant impact on normal splicing. However, these predictions have yet to be confirmed by functional studies. The variant allele was found at a frequency of 0.12 in 250988 control chromosomes, predominantly at a frequency of 0.31 within the East Asian subpopulation in the gnomAD database, including 853 homozygotes. The observed variant frequency within East Asian control individuals in the gnomAD database exceeds the estimated maximal expected allele frequency for disease-causing variants in TMPRSS3. ClinVar contains an entry for this variant (Variation ID: 46126). Based on the evidence outlined above, the variant was classified as benign.

Labcorp Genetics (formerly Invitae), Labcorp
Classification: Benign. Last evaluated: 2026-02-04. Review status: criteria provided, single submitter. Criteria: Invitae Variant Classification Sherloc (09022015). Collection method: clinical testing. Allele origin: germline.

ARUP Laboratories, Molecular Genetics and Genomics, ARUP Laboratories
Classification: Benign for Autosomal recessive nonsyndromic hearing loss 8. Last evaluated: 2023-11-29. Review status: criteria provided, single submitter. Criteria: ARUP Molecular Germline Variant Investigation Process 2024. Collection method: clinical testing. Allele origin: germline.

Mayo Clinic Laboratories, Mayo Clinic
Classification: Benign. Last evaluated: 2020-12-04. Review status: criteria provided, single submitter. Criteria: ACMG Guidelines, 2015. Collection method: clinical testing. Allele origin: germline. Observed: 32 variant alleles.

GeneDx
Classification: Benign. Last evaluated: 2017-09-15. Review status: criteria provided, single submitter. Criteria: GeneDx Variant Classification (06012015). Collection method: clinical testing. Allele origin: germline. Affected: yes.
Comment: This variant is considered likely benign or benign based on one or more of the following criteria: it is a conservative change, it occurs at a poorly conserved position in the protein, it is predicted to be benign by multiple in silico algorithms, and/or has population frequency not consistent with disease.

Eurofins Ntd Llc (ga)
Classification: Benign. Last evaluated: 2016-08-26. Review status: criteria provided, single submitter. Criteria: EGL Classification Definitions. Collection method: clinical testing. Allele origin: germline. Observed: 1 variant allele.

Laboratory for Molecular Medicine, Mass General Brigham Personalized Medicine
Classification: Benign. Last evaluated: 2007-02-16. Review status: criteria provided, single submitter. Criteria: LMM Criteria. Collection method: clinical testing. Allele origin: germline. Observed: 406 variant alleles.

PreventionGenetics, part of Exact Sciences
Classification: Benign. Review status: criteria provided, single submitter. Criteria: ACMG Guidelines, 2015. Collection method: clinical testing. Allele origin: germline.